The following is an entry in ClinVar:

NM_000939.4(POMC):c.462G>C (p.Arg154=)

Gene: POMC (proopiomelanocortin; minus strand). Cytogenetic location: 2p23.3.
Variant type: single nucleotide variant.
Coding change: c.462G>C on transcript NM_000939.4 (MANE Select); coding-DNA position 462, G replaced by C.
Protein change: p.Arg154=; no amino-acid change (arginine 154 retained).
Molecular consequence: synonymous variant.
Genome position (GRCh38, 1-based): chr2:25,161,423, C>G on the plus strand (G>C on the coding strand, the complement: POMC is on the minus strand). VCF-style: chr2-25161423-C-G. GRCh37 (hg19) VCF-style: chr2-25384292-C-G.
Other names: c.462G>C, p.Arg154= (NM_001035256.3, NM_001319204.2, NM_001319205.2).
Identifiers: ClinVar variation 3358625 (VCV003358625.1).

ClinVar aggregate classification (germline): Likely benign (0 of 4 stars; one submission).

Conditions:
POMC-related disorder. Also called: POMC-related condition; POMC-related disorders.

Submission:

PreventionGenetics, part of Exact Sciences
Classification: Likely benign for POMC-related condition. Last evaluated: 2021-03-15. Review status: no assertion criteria provided. Collection method: clinical testing. Allele origin: germline.
Comment: This variant is classified as likely benign based on ACMG/AMP sequence variant interpretation guidelines (Richards et al. 2015 PMID: 25741868, with internal and published modifications).